The following is an entry in ClinVar:

NM_152641.4(ARID2):c.3319G>T (p.Ala1107Ser)

Gene: ARID2 (AT-rich interaction domain 2; plus strand). Cytogenetic location: 12q12.
Variant type: single nucleotide variant.
Coding change: c.3319G>T on transcript NM_152641.4 (MANE Select); coding-DNA position 3319, G replaced by T.
Protein change: p.Ala1107Ser; replaces alanine 1107 with serine.
Molecular consequence: missense variant.
Genome position (GRCh38, 1-based): chr12:45,851,442, G>T. VCF-style: chr12-45851442-G-T. GRCh37 (hg19) VCF-style: chr12-46245225-G-T.
Other names: c.3319G>T, p.Ala1107Ser (NM_001347839.2); short protein forms A1107S.
Identifiers: ClinVar variation 3905100 (VCV003905100.10).

ClinVar aggregate classification (germline): Likely benign (1 of 4 stars; one submission).

gnomAD v4.1: 6 of 1,613,964 alleles (0.00037%); highest among the groups gnomAD compares: Non-Finnish European, 0.00051%; no homozygotes.

Submission:

CeGaT Center for Human Genetics Tuebingen
Classification: Likely benign. Last evaluated: 2025-05-01. Review status: criteria provided, single submitter. Criteria: CeGaT Center For Human Genetics Tuebingen Variant Classification Criteria Version 2. Collection method: clinical testing. Allele origin: germline. Affected: yes. Observed: 1 variant allele.
Comment: ARID2: BP4